The following is an entry in ClinVar:

ClinVar aggregate classification (germline): Uncertain significance (1 of 4 stars; one submission).

Conditions:
Adenylosuccinate lyase deficiency (ADSLD). Also called: ADSL DEFICIENCY. Identifiers: Orphanet 46, MedGen C0268126, MONDO:0007068, OMIM 103050.

Allele frequency attached by ClinVar (database versions not stated): TOPMed 0.00004.

Submission:

Labcorp Genetics (formerly Invitae), Labcorp
Classification: Uncertain significance for Adenylosuccinate lyase deficiency. Last evaluated: 2022-06-27. Review status: criteria provided, single submitter. Criteria: Invitae Variant Classification Sherloc (09022015). Collection method: clinical testing. Allele origin: germline.
Comment: This variant occurs in a non-coding region of the ADSL gene. It does not change the encoded amino acid sequence of the ADSL protein. This variant is not present in population databases (gnomAD no frequency). This variant has not been reported in the literature in individuals affected with ADSL-related conditions. Experimental studies and prediction algorithms are not available or were not evaluated, and the functional significance of this variant is currently unknown. In summary, the available evidence is currently insufficient to determine the role of this variant in disease. Therefore, it has been classified as a Variant of Uncertain Significance.

NC_000022.11:g.40345827C>T

Gene: ADSL (adenylosuccinate lyase; plus strand). Cytogenetic location: 22q13.1.
Variant type: single nucleotide variant.
Genome position: GRCh38 VCF-style: chr22-40345827-C-T. GRCh37 (hg19) VCF-style: chr22-40741831-C-T.
Identifiers: ClinVar variation 1922447 (VCV001922447.3), dbSNP rs926021028, ClinGen allele CA324446408.